The following is an entry in ClinVar:

ClinVar aggregate classification (germline): Conflicting classifications of pathogenicity. Review status: criteria provided, conflicting classifications (1 of 4 stars). 5 submissions from 5 submitters: Uncertain significance (3); Likely benign (2). Last evaluated 2026-01-05.

Conditions:
Hereditary cancer-predisposing syndrome. Also called: Neoplastic Syndromes, Hereditary; Hereditary neoplastic syndrome; Tumor predisposition; Hereditary Cancer Syndrome. Identifiers: Orphanet 140162, MedGen C0027672, MeSH D009386, MONDO:0015356.
Ataxia-telangiectasia syndrome (AT). Also called: Ataxia telangiectasia (A-T); Cerebello-oculocutaneous telangiectasia; Immunodeficiency with ataxia telangiectasia; LOUIS-BAR SYNDROME; AT, COMPLEMENTATION GROUP C; ATAXIA-TELANGIECTASIA, FRESNO VARIANT. Identifiers: Orphanet 100, MedGen C0004135, MONDO:0008840, OMIM 208900.
Familial cancer of breast. Also called: hereditary breast carcinoma; Hereditary breast cancer; BREAST CANCER, FAMILIAL. Identifiers: Orphanet 227535, MedGen C0346153, MONDO:0016419, OMIM 114480. Disease mechanism: loss of function.

Allele frequency attached by ClinVar (database versions not stated): gnomAD 0.00002; gnomAD exomes 0.00001; TOPMed 0.00002.
gnomAD v4.1: 9 of 1,612,770 alleles (0.00056%); highest among the groups gnomAD compares: Admixed American, 0.0067%; no homozygotes.

Submissions (5):

Labcorp Genetics (formerly Invitae), Labcorp
Classification: Uncertain significance for Ataxia-telangiectasia syndrome. Last evaluated: 2026-01-05. Review status: criteria provided, single submitter. Criteria: Invitae Variant Classification Sherloc (09022015). Collection method: clinical testing. Allele origin: germline.
Comment: This sequence change falls in intron 51 of the ATM gene. It does not directly change the encoded amino acid sequence of the ATM protein. It affects a nucleotide within the consensus splice site. This variant is present in population databases (no rsID available, gnomAD 0.003%). This variant has not been reported in the literature in individuals affected with ATM-related conditions. ClinVar contains an entry for this variant (Variation ID: 230219). Variants that disrupt the consensus splice site are a relatively common cause of aberrant splicing (PMID: 17576681, 9536098). Studies have shown that this variant is associated with inconclusive levels of altered splicing (internal data). In summary, the available evidence is currently insufficient to determine the role of this variant in disease. Therefore, it has been classified as a Variant of Uncertain Significance.

Baylor Genetics
Classification: Uncertain significance for Familial cancer of breast. Last evaluated: 2022-08-22. Review status: criteria provided, single submitter. Criteria: ACMG Guidelines, 2015. Collection method: clinical testing. Allele origin: unknown.

Color Diagnostics, LLC DBA Color Health
Classification: Uncertain significance for Hereditary cancer-predisposing syndrome. Last evaluated: 2021-03-17. Review status: criteria provided, single submitter. Criteria: ACMG Guidelines, 2015. Collection method: clinical testing. Allele origin: germline.
Comment: This variant causes a C to T nucleotide substitution at the -3 position of intron 51 of the ATM gene. Splice site prediction tools are inconclusive regarding the impact of this variant on RNA splicing. To our knowledge, this variant has not been reported in individuals affected with hereditary cancer in the literature. This variant has been identified in 2/251078 chromosomes in the general population by the Genome Aggregation Database (gnomAD). The available evidence is insufficient to determine the role of this variant in disease conclusively. Therefore, this variant is classified as a Variant of Uncertain Significance.

Ambry Genetics
Classification: Likely benign for Hereditary cancer-predisposing syndrome. Last evaluated: 2020-06-24. Review status: criteria provided, single submitter. Criteria: Ambry Variant Classification Scheme 2023. Collection method: clinical testing. Allele origin: germline.

GeneDx
Classification: Likely benign. Last evaluated: 2019-05-01. Review status: criteria provided, single submitter. Criteria: GeneDx Variant Classification Process June 2021. Collection method: clinical testing. Allele origin: germline. Affected: yes.

Literature cited by the submitters: PubMed 17576681 (cited by Labcorp Genetics (formerly Invitae), Labcorp); PubMed 9536098 (cited by Labcorp Genetics (formerly Invitae), Labcorp).

NM_000051.4(ATM):c.7630-3C>T

Genes: ATM (ATM serine/threonine kinase; plus strand), C11orf65 (chromosome 11 open reading frame 65; minus strand). Cytogenetic location: 11q22.3.
Variant type: single nucleotide variant.
Coding change: c.7630-3C>T on transcript NM_000051.4 (MANE Select); 3 bases into the intron before coding-DNA position 7630, C replaced by T.
Molecular consequence: intron variant.
Genome position (GRCh38, 1-based): chr11:108,331,876, C>T. VCF-style: chr11-108331876-C-T. GRCh37 (hg19) VCF-style: chr11-108202603-C-T.
Other names: c.7630-3C>T (NM_001351834.2); c.641-22805G>A (NM_001330368.2); c.*38+3344G>A (NM_001351110.2).
Identifiers: ClinVar variation 230219 (VCV000230219.18), dbSNP rs587782448, ClinGen allele CA10579265.